The following is an entry in ClinVar:

NM_001206927.2(DNAH8):c.12974G>A (p.Arg4325Gln)

Gene: DNAH8 (dynein axonemal heavy chain 8; plus strand). Cytogenetic location: 6p21.2.
Variant type: single nucleotide variant.
Coding change: c.12974G>A on transcript NM_001206927.2 (MANE Select); coding-DNA position 12974, G replaced by A.
Protein change: p.Arg4325Gln; replaces arginine 4325 with glutamine.
Molecular consequence: missense variant.
Genome position (GRCh38, 1-based): chr6:38,984,228, G>A. VCF-style: chr6-38984228-G-A. GRCh37 (hg19) VCF-style: chr6-38952004-G-A.
Other names: c.12323G>A, p.Arg4108Gln (NM_001371.4); short protein forms R4108Q, R4325Q.
Identifiers: ClinVar variation 645817 (VCV000645817.9), dbSNP rs368532934, ClinGen allele CA3791524.
Genomic context (GRCh38, chr6:38,984,228, plus strand): 5'-GGTTGACAATTAATAATCCTTTTTTACTTTTAATAAAGGGTGTATCATGGAATACGGTTC[G>A]GTACATGATCGGAGAAGTACAATATGGAGGCAGAGTGACAGATGACTTTGACAAACGTCT-3'
Protein context (NP_001193856.1, residues 4315-4335): IKKGVSWNTV[Arg4325Gln]YMIGEVQYGG

ClinVar aggregate classification (germline): Uncertain significance. Review status: criteria provided, multiple submitters, no conflicts (2 of 4 stars). 3 submissions from 3 submitters: Uncertain significance (3). Last evaluated 2024-11-09.

Conditions:
Primary ciliary dyskinesia. Also called: Ciliary dyskinesia. Identifiers: Orphanet 244, MedGen C0008780, MONDO:0016575, HP:0012265.

Allele frequency attached by ClinVar (database versions not stated): ExAC 0.00005; gnomAD 0.00007 and 0.00011; gnomAD exomes 0.00007 and 0.00015; TOPMed 0.00012; ESP Exome Variant Server 0.00015.
gnomAD v4.1: 231 of 1,598,560 alleles (0.014%); highest among the groups gnomAD compares: African/African-American, 0.025%; no homozygotes.

Submissions (3):

Ambry Genetics
Classification: Uncertain significance. Last evaluated: 2024-11-09. Review status: criteria provided, single submitter. Criteria: Ambry Variant Classification Scheme 2023. Collection method: clinical testing. Allele origin: germline.

Labcorp Genetics (formerly Invitae), Labcorp
Classification: Uncertain significance for Primary ciliary dyskinesia. Last evaluated: 2022-08-04. Review status: criteria provided, single submitter. Criteria: Invitae Variant Classification Sherloc (09022015). Collection method: clinical testing. Allele origin: germline.
Comment: This sequence change replaces arginine, which is basic and polar, with glutamine, which is neutral and polar, at codon 4325 of the DNAH8 protein (p.Arg4325Gln). This variant is present in population databases (rs368532934, gnomAD 0.03%). This variant has not been reported in the literature in individuals affected with DNAH8-related conditions. ClinVar contains an entry for this variant (Variation ID: 645817). Algorithms developed to predict the effect of missense changes on protein structure and function are either unavailable or do not agree on the potential impact of this missense change (SIFT: "Deleterious"; PolyPhen-2: "Not Available"; Align-GVGD: "Class C0"). Algorithms developed to predict the effect of sequence changes on RNA splicing suggest that this variant may create or strengthen a splice site. In summary, the available evidence is currently insufficient to determine the role of this variant in disease. Therefore, it has been classified as a Variant of Uncertain Significance.

UNC Molecular Genetics  Laboratory, University of North Carolina at Chapel Hill
Classification: Uncertain significance for Primary ciliary dyskinesia. Last evaluated: 2018-03-21. Review status: criteria provided, single submitter. Criteria: ACMG Guidelines, 2015. Collection method: clinical testing. Allele origin: germline. Observed: 1 heterozygote.